The following is an entry in ClinVar:

ClinVar aggregate classification (germline): Uncertain significance (1 of 4 stars; one submission).

Conditions:
Brugada syndrome 8 (BRGDA8). Identifiers: Orphanet 130, MedGen C2751083, MONDO:0013148, OMIM 613123.

Submission:

Labcorp Genetics (formerly Invitae), Labcorp
Classification: Uncertain significance for Brugada syndrome 8. Last evaluated: 2024-09-16. Review status: criteria provided, single submitter. Criteria: Invitae Variant Classification Sherloc (09022015). Collection method: clinical testing. Allele origin: germline.
Comment: This sequence change replaces arginine, which is basic and polar, with leucine, which is neutral and non-polar, at codon 828 of the HCN4 protein (p.Arg828Leu). This variant is not present in population databases (gnomAD no frequency). This variant has not been reported in the literature in individuals affected with HCN4-related conditions. Invitae Evidence Modeling of protein sequence and biophysical properties (such as structural, functional, and spatial information, amino acid conservation, physicochemical variation, residue mobility, and thermodynamic stability) indicates that this missense variant is not expected to disrupt HCN4 protein function with a negative predictive value of 95%. In summary, the available evidence is currently insufficient to determine the role of this variant in disease. Therefore, it has been classified as a Variant of Uncertain Significance.

NM_005477.3(HCN4):c.2483G>T (p.Arg828Leu)

Gene: HCN4 (hyperpolarization activated cyclic nucleotide gated potassium channel 4; minus strand). Cytogenetic location: 15q24.1.
Variant type: single nucleotide variant.
Coding change: c.2483G>T on transcript NM_005477.3 (MANE Select); coding-DNA position 2483, G replaced by T.
Protein change: p.Arg828Leu; replaces arginine 828 with leucine.
Molecular consequence: missense variant.
Genome position (GRCh38, 1-based): chr15:73,323,610, C>A on the plus strand (G>T on the coding strand, the complement: HCN4 is on the minus strand). VCF-style: chr15-73323610-C-A. GRCh37 (hg19) VCF-style: chr15-73615951-C-A.
Other names: short protein forms R828L.
Identifiers: ClinVar variation 3636614 (VCV003636614.2).